The following is an entry in ClinVar:

ClinVar aggregate classification (germline): Uncertain significance (1 of 4 stars; one submission).

Conditions:
Bethlem myopathy 1A. Also called: Bethlem myopathy 1; Bethlem Muscular Dystrophy; MYOPATHY, BENIGN CONGENITAL, WITH CONTRACTURES. Identifiers: Orphanet 610, MedGen CN029274, MONDO:0024530, OMIM 158810.

Submission:

Labcorp Genetics (formerly Invitae), Labcorp
Classification: Uncertain significance for Bethlem myopathy 1A. Last evaluated: 2022-06-05. Review status: criteria provided, single submitter. Criteria: Invitae Variant Classification Sherloc (09022015). Collection method: clinical testing. Allele origin: germline.
Comment: Advanced modeling of protein sequence and biophysical properties (such as structural, functional, and spatial information, amino acid conservation, physicochemical variation, residue mobility, and thermodynamic stability) performed at Invitae indicates that this missense variant is not expected to disrupt COL6A1 protein function. In summary, the available evidence is currently insufficient to determine the role of this variant in disease. Therefore, it has been classified as a Variant of Uncertain Significance. ClinVar contains an entry for this variant (Variation ID: 1394771). This variant has not been reported in the literature in individuals affected with COL6A1-related conditions. This variant is not present in population databases (gnomAD no frequency). This sequence change replaces alanine, which is neutral and non-polar, with threonine, which is neutral and polar, at codon 4 of the COL6A1 protein (p.Ala4Thr).

NM_001848.3(COL6A1):c.10G>A (p.Ala4Thr)

Gene: COL6A1 (collagen type VI alpha 1 chain; plus strand). Cytogenetic location: 21q22.3.
Variant type: single nucleotide variant.
Coding change: c.10G>A on transcript NM_001848.3 (MANE Select); coding-DNA position 10, G replaced by A.
Protein change: p.Ala4Thr; replaces alanine 4 with threonine.
Molecular consequence: missense variant.
Genome position (GRCh38, 1-based): chr21:45,981,860, G>A. VCF-style: chr21-45981860-G-A. GRCh37 (hg19) VCF-style: chr21-47401774-G-A.
Other names: short protein forms A4T.
Identifiers: ClinVar variation 1394771 (VCV001394771.6), dbSNP rs1603589147, ClinGen allele CA410513763.